The following is an entry in ClinVar:

ClinVar aggregate classification (germline): Uncertain significance. Review status: criteria provided, multiple submitters, no conflicts (2 of 4 stars). 2 submissions from 2 submitters: Uncertain significance (2). Last evaluated 2024-03-28.

Conditions:
Joubert syndrome 16 (JBTS16). Identifiers: Orphanet 2318, MedGen C3280906, MONDO:0013764, OMIM 614465.

Allele frequency attached by ClinVar (database versions not stated): ExAC 0.00002; gnomAD exomes 0.00002; TOPMed 0.00002; gnomAD 0.00003.
gnomAD v4.1: 82 of 1,614,020 alleles (0.0051%); highest among the groups gnomAD compares: Non-Finnish European, 0.0069%; no homozygotes.

Submissions (2):

Fulgent Genetics
Classification: Uncertain significance for Joubert syndrome 16. Last evaluated: 2024-03-28. Review status: criteria provided, single submitter. Criteria: ACMG Guidelines, 2015. Collection method: clinical testing. Allele origin: germline.

Labcorp Genetics (formerly Invitae), Labcorp
Classification: Uncertain significance for Joubert syndrome 16. Last evaluated: 2023-05-08. Review status: criteria provided, single submitter. Criteria: Invitae Variant Classification Sherloc (09022015). Collection method: clinical testing. Allele origin: germline.
Comment: This sequence change replaces threonine, which is neutral and polar, with alanine, which is neutral and non-polar, at codon 63 of the TMEM138 protein (p.Thr63Ala). This variant is present in population databases (rs755251825, gnomAD 0.004%). This variant has not been reported in the literature in individuals affected with TMEM138-related conditions. ClinVar contains an entry for this variant (Variation ID: 1403150). An algorithm developed to predict the effect of missense changes on protein structure and function (PolyPhen-2) suggests that this variant is likely to be disruptive. In summary, the available evidence is currently insufficient to determine the role of this variant in disease. Therefore, it has been classified as a Variant of Uncertain Significance.

NM_016464.5(TMEM138):c.187A>G (p.Thr63Ala)

Gene: TMEM138 (transmembrane protein 138; plus strand). Cytogenetic location: 11q12.2.
Variant type: single nucleotide variant.
Coding change: c.187A>G on transcript NM_016464.5 (MANE Select); coding-DNA position 187, A replaced by G.
Protein change: p.Thr63Ala; replaces threonine 63 with alanine.
Molecular consequence: missense variant. On other transcripts: non-coding transcript variant (1).
Genome position (GRCh38, 1-based): chr11:61,366,103, A>G. VCF-style: chr11-61366103-A-G. GRCh37 (hg19) VCF-style: chr11-61133575-A-G.
Other names: c.13A>G, p.Thr5Ala (NM_001330281.2); short protein forms T5A, T63A.
Identifiers: ClinVar variation 1403150 (VCV001403150.6), dbSNP rs755251825, ClinGen allele CA6034555.